The following is an entry in ClinVar:

NM_015158.5(KANK1):c.3281A>C (p.Asn1094Thr)

Gene: KANK1 (KN motif and ankyrin repeat domains 1; plus strand). Cytogenetic location: 9p24.3.
Variant type: single nucleotide variant.
Coding change: c.3281A>C on transcript NM_015158.5 (MANE Select); coding-DNA position 3281, A replaced by C.
Protein change: p.Asn1094Thr; replaces asparagine 1094 with threonine.
Molecular consequence: missense variant. On other transcripts: non-coding transcript variant (1).
Genome position (GRCh38, 1-based): chr9:734,783, A>C. VCF-style: chr9-734783-A-C. GRCh37 (hg19) VCF-style: chr9-734783-A-C.
Other names: c.3281A>C, p.Asn1094Thr (NM_001256876.3, NM_001256877.3, NM_001354334.2); c.3041A>C, p.Asn1014Thr (NM_001354331.2); c.3227A>C, p.Asn1076Thr (NM_001354332.2); c.2807A>C, p.Asn936Thr (NM_001354333.2, NM_001354335.2, NM_001354337.2 and 2 more transcripts); c.2513A>C, p.Asn838Thr (NM_001354336.2); c.2753A>C, p.Asn918Thr (NM_001354338.2, NM_001354340.2, NM_001354344.2); c.2567A>C, p.Asn856Thr (NM_001354339.2, NM_001354342.2, NM_001354343.2); short protein forms N838T, N856T, N936T, N1076T, N1094T, N1014T, N918T.
Identifiers: ClinVar variation 3650562 (VCV003650562.2).

ClinVar aggregate classification (germline): Uncertain significance (1 of 4 stars; one submission).

Submission:

Labcorp Genetics (formerly Invitae), Labcorp
Classification: Uncertain significance. Last evaluated: 2024-04-22. Review status: criteria provided, single submitter. Criteria: Invitae Variant Classification Sherloc (09022015). Collection method: clinical testing. Allele origin: germline.
Comment: This sequence change replaces asparagine, which is neutral and polar, with threonine, which is neutral and polar, at codon 1094 of the KANK1 protein (p.Asn1094Thr). This variant is not present in population databases (gnomAD no frequency). This variant has not been reported in the literature in individuals affected with KANK1-related conditions. Advanced modeling of protein sequence and biophysical properties (such as structural, functional, and spatial information, amino acid conservation, physicochemical variation, residue mobility, and thermodynamic stability) performed at Invitae indicates that this missense variant is not expected to disrupt KANK1 protein function with a negative predictive value of 80%. In summary, the available evidence is currently insufficient to determine the role of this variant in disease. Therefore, it has been classified as a Variant of Uncertain Significance.